The following is an entry in ClinVar:

ClinVar aggregate classification (germline): Uncertain significance (1 of 4 stars; one submission).

Conditions:
Atrial fibrillation, familial, 7 (ATFB7). Identifiers: MedGen C2677106, MONDO:0012828, OMIM 612240.

Submission:

Labcorp Genetics (formerly Invitae), Labcorp
Classification: Uncertain significance for Atrial fibrillation, familial, 7. Last evaluated: 2024-03-20. Review status: criteria provided, single submitter. Criteria: Invitae Variant Classification Sherloc (09022015). Collection method: clinical testing. Allele origin: germline.
Comment: This sequence change affects codon 246 of the KCNA5 mRNA. It is a 'silent' change, meaning that it does not change the encoded amino acid sequence of the KCNA5 protein. This variant is present in population databases (no rsID available, gnomAD 0.007%). This variant has not been reported in the literature in individuals affected with KCNA5-related conditions. In summary, the available evidence is currently insufficient to determine the role of this variant in disease. Therefore, it has been classified as a Variant of Uncertain Significance.

NM_002234.4(KCNA5):c.738T>C (p.Ser246=)

Gene: KCNA5 (potassium voltage-gated channel subfamily A member 5; plus strand). Cytogenetic location: 12p13.32.
Variant type: single nucleotide variant.
Coding change: c.738T>C on transcript NM_002234.4 (MANE Select); coding-DNA position 738, T replaced by C.
Protein change: p.Ser246=; no amino-acid change (serine 246 retained).
Molecular consequence: synonymous variant.
Genome position (GRCh38, 1-based): chr12:5,044,885, T>C. VCF-style: chr12-5044885-T-C. GRCh37 (hg19) VCF-style: chr12-5154051-T-C.
Identifiers: ClinVar variation 3676753 (VCV003676753.2).
Genomic context (GRCh38, chr12:5,044,885, plus strand): 5'-CCTGCCCCGCAACGAGTTCCAGCGCCAGGTGTGGCTTATCTTCGAGTATCCGGAGAGCTC[T>C]GGGTCCGCGCGGGCCATCGCCATCGTCTCGGTCTTGGTTATCCTCATCTCCATCATCACC-3'
Protein context (NP_002225.2, residues 236-256): VWLIFEYPES[Ser246=]GSARAIAIVS